The following is an entry in ClinVar:

ClinVar aggregate classification (germline): Uncertain significance. Review status: criteria provided, multiple submitters, no conflicts (2 of 4 stars). 4 submissions from 4 submitters: Uncertain significance (4). Last evaluated 2026-06-19.

Conditions:
CDH23-related disorder. Also called: CDH23-related condition; CDH23-related disorders.

Allele frequency attached by ClinVar (database versions not stated): gnomAD 0.00001; TOPMed 0.00002.
gnomAD v4.1: 19 of 1,613,178 alleles (0.0012%); highest among the groups gnomAD compares: Middle Eastern, 0.016%; no homozygotes.

Submissions (4):

PreventionGenetics, part of Exact Sciences
Classification: Uncertain significance for CDH23-related condition. Last evaluated: 2026-06-19. Review status: criteria provided, single submitter. Criteria: ACMG Guidelines, 2015. Collection method: clinical testing. Allele origin: germline.
Comment: The CDH23 c.6796G>A variant is predicted to result in the amino acid substitution p.Asp2266Asn. To our knowledge, this variant has not been reported in the literature. This variant is reported in 0.0083% of alleles in individuals of African descent in gnomAD. At this time, the clinical significance of this variant is uncertain due to the absence of conclusive functional and genetic evidence.

Blueprint Genetics
Classification: Uncertain significance. Last evaluated: 2023-03-16. Review status: criteria provided, single submitter. Criteria: ACMG Guidelines, 2015. Collection method: clinical testing. Allele origin: germline.

GeneDx
Classification: Uncertain significance. Last evaluated: 2023-03-16. Review status: criteria provided, single submitter. Criteria: GeneDx Variant Classification Process June 2021. Collection method: clinical testing. Allele origin: germline. Affected: yes.
Comment: In silico analysis supports that this missense variant does not alter protein structure/function; Has not been previously published as pathogenic or benign to our knowledge

Labcorp Genetics (formerly Invitae), Labcorp
Classification: Uncertain significance. Last evaluated: 2022-07-19. Review status: criteria provided, single submitter. Criteria: Invitae Variant Classification Sherloc (09022015). Collection method: clinical testing. Allele origin: germline.
Comment: This sequence change replaces aspartic acid, which is acidic and polar, with asparagine, which is neutral and polar, at codon 2266 of the CDH23 protein (p.Asp2266Asn). This variant is present in population databases (rs754605731, gnomAD 0.008%). This variant has not been reported in the literature in individuals affected with CDH23-related conditions. Algorithms developed to predict the effect of missense changes on protein structure and function are either unavailable or do not agree on the potential impact of this missense change (SIFT: "Deleterious"; PolyPhen-2: "Not Available"; Align-GVGD: "Class C0"). In summary, the available evidence is currently insufficient to determine the role of this variant in disease. Therefore, it has been classified as a Variant of Uncertain Significance.

NM_022124.6(CDH23):c.6796G>A (p.Asp2266Asn)

Gene: CDH23 (cadherin related 23; plus strand). Cytogenetic location: 10q22.1.
Variant type: single nucleotide variant.
Coding change: c.6796G>A on transcript NM_022124.6 (MANE Select); coding-DNA position 6796, G replaced by A.
Protein change: p.Asp2266Asn; replaces aspartic acid 2266 with asparagine.
Molecular consequence: missense variant.
Genome position (GRCh38, 1-based): chr10:71,797,187, G>A. VCF-style: chr10-71797187-G-A. GRCh37 (hg19) VCF-style: chr10-73556944-G-A.
Other names: c.6796G>A (NM_022124.5); c.76G>A, p.Asp26Asn (NM_001171933.1, NM_001171934.1); short protein forms D26N, D2266N.
Identifiers: ClinVar variation 2151656 (VCV002151656.4), dbSNP rs754605731, ClinGen allele CA5546187.
Genomic context (GRCh38, chr10:71,797,187, plus strand): 5'-ATGAATCGGGAGCTGGTTGCCACCTATGAGGTCACTCTCTCAGTGATTGACAATGCCAGC[G>A]ACCTACCAGAGCGCTCTGTCAGTGTGCCAAATGGTAAGGTTCCCTGCAGACATCTCTCAT-3'
Protein context (NP_071407.4, residues 2256-2276): VTLSVIDNAS[Asp2266Asn]LPERSVSVPN